The following is an entry in ClinVar:

ClinVar aggregate classification (germline): Likely benign (1 of 4 stars; one submission).

Allele frequency attached by ClinVar (database versions not stated): 1000 Genomes Project 30x 0.00109; ESP Exome Variant Server 0.00115; 1000 Genomes Project 0.00120; ExAC 0.00124; gnomAD exomes 0.00132.
gnomAD v4.1: 2,025 of 1,590,842 alleles (0.13%); highest among the groups gnomAD compares: South Asian, 0.54%; 7 homozygotes.

Submission:

CeGaT Center for Human Genetics Tuebingen
Classification: Likely benign. Last evaluated: 2023-01-01. Review status: criteria provided, single submitter. Criteria: CeGaT Center For Human Genetics Tuebingen Variant Classification Criteria Version 2. Collection method: clinical testing. Allele origin: germline. Affected: yes. Observed: 1 variant allele.
Comment: KIAA0319L: BP4

NM_024874.5(KIAA0319L):c.924A>C (p.Glu308Asp)

Gene: KIAA0319L (KIAA0319 like; minus strand). Cytogenetic location: 1p34.3.
Variant type: single nucleotide variant.
Coding change: c.924A>C on transcript NM_024874.5 (MANE Select); coding-DNA position 924, A replaced by C.
Protein change: p.Glu308Asp; replaces glutamic acid 308 with aspartic acid.
Molecular consequence: missense variant.
Genome position (GRCh38, 1-based): chr1:35,474,896, T>G on the plus strand (A>C on the coding strand, the complement: KIAA0319L is on the minus strand). VCF-style: chr1-35474896-T-G. GRCh37 (hg19) VCF-style: chr1-35940497-T-G.
Other names: short protein forms E308D.
Identifiers: ClinVar variation 2638645 (VCV002638645.24), dbSNP rs151103704, ClinGen allele CA759768.